The following is an entry in ClinVar:

NM_000719.7(CACNA1C):c.225A>C (p.Thr75=)

Gene: CACNA1C (calcium voltage-gated channel subunit alpha1 C; plus strand). Cytogenetic location: 12p13.33.
Variant type: single nucleotide variant.
Coding change: c.225A>C on transcript NM_000719.7 (MANE Select); coding-DNA position 225, A replaced by C.
Protein change: p.Thr75=; no amino-acid change (threonine 75 retained).
Molecular consequence: synonymous variant.
Genome position (GRCh38, 1-based): chr12:2,115,399, A>C. VCF-style: chr12-2115399-A-C. GRCh37 (hg19) VCF-style: chr12-2224565-A-C.
Other names: c.225A>C, p.Thr75= (NM_001129827.2, NM_001129829.2, NM_001129830.3 and 19 more transcripts).
Identifiers: ClinVar variation 517089 (VCV000517089.15), dbSNP rs756361032, ClinGen allele CA6388405.

ClinVar aggregate classification (germline): Likely benign. Review status: criteria provided, multiple submitters, no conflicts (2 of 4 stars). 4 submissions from 4 submitters: Likely benign (4). Last evaluated 2026-03-31.

Conditions:
Long QT syndrome (LQTS). Identifiers: MedGen C0023976, MeSH D008133, MONDO:0002442. Disease mechanism: loss of function. Inheritance: Various modes of inheritance.
CACNA1C-related disorder. Also called: CACNA1C-related condition; CACNA1C-related disorders. Identifiers: MedGen CN381092, MONDO:0700321.
Cardiovascular phenotype. Identifiers: MedGen CN230736.

Allele frequency attached by ClinVar (database versions not stated): TOPMed 0.00005; gnomAD 0.00001; ExAC 0.00001; gnomAD exomes 0.00002 and 0.00001.
gnomAD v4.1: 14 of 1,611,610 alleles (0.00087%); highest among the groups gnomAD compares: East Asian, 0.031%; no homozygotes.

Submissions (4):

PreventionGenetics, part of Exact Sciences
Classification: Likely benign for CACNA1C-related condition. Last evaluated: 2026-03-31. Review status: criteria provided, single submitter. Criteria: ACMG Guidelines, 2015. Collection method: clinical testing. Allele origin: germline.
Comment: This variant is classified as likely benign based on ACMG/AMP sequence variant interpretation guidelines (Richards et al. 2015 PMID: 25741868, with internal and published modifications).

Labcorp Genetics (formerly Invitae), Labcorp
Classification: Likely benign for Long QT syndrome. Last evaluated: 2025-08-26. Review status: criteria provided, single submitter. Criteria: Invitae Variant Classification Sherloc (09022015). Collection method: clinical testing. Allele origin: germline.

Ambry Genetics
Classification: Likely benign for Cardiovascular phenotype. Last evaluated: 2020-07-30. Review status: criteria provided, single submitter. Criteria: Ambry Variant Classification Scheme 2023. Collection method: clinical testing. Allele origin: germline.

GeneDx
Classification: Likely benign. Last evaluated: 2017-01-18. Review status: criteria provided, single submitter. Criteria: GeneDx Variant Classification (06012015). Collection method: clinical testing. Allele origin: germline. Affected: yes.
Comment: This variant is considered likely benign or benign based on one or more of the following criteria: it is a conservative change, it occurs at a poorly conserved position in the protein, it is predicted to be benign by multiple in silico algorithms, and/or has population frequency not consistent with disease.